The following is an entry in ClinVar:

NM_004269.4(MED27):c.565_566del (p.Met189fs)

Gene: MED27 (mediator complex subunit 27; minus strand). Cytogenetic location: 9q34.13.
Variant type: Deletion.
Coding change: c.565_566del on transcript NM_004269.4 (MANE Select); coding-DNA positions 565 to 566, 2 bases deleted (AT; older notation c.565_566delAT).
Protein change: p.Met189fs; shifts the reading frame from methionine 189.
Molecular consequence: frameshift variant.
Genome position (GRCh38, 1-based): chr9:131,939,388-131,939,389, AT deleted on the plus strand (AT on the coding strand, the reverse complement: MED27 is on the minus strand). VCF-style (leftmost placement, unchanged base first): chr9-131939387-CAT-C. GRCh37 (hg19) VCF-style: chr9-134814774-CAT-C.
Other names: c.565_566del, p.Met189fs (NM_001253881.2); short protein forms M189fs.
Identifiers: ClinVar variation 1064752 (VCV001064752.4), dbSNP rs868381134, ClinGen allele CA200621897.
Genomic context (GRCh38, chr9:131,939,387, plus strand): 5'-GTGAAGTCCATTTTTTCCCCCAACATCCCTACAAATCAGTCAAGCTGATCTTACCAGAAG[CAT>C]TGCTGATGTTCCATTGGGTCTGGATAAGTGGATGGACATTTCAGGAAACATCCTGTCAAT-3'

ClinVar aggregate classification (germline): Uncertain significance. Review status: criteria provided, single submitter (1 of 4 stars). 2 submissions from 2 submitters: Uncertain significance (1). 1 of the submissions does not count toward it. Last evaluated 2021-04-28.

Conditions:
Neurodevelopmental disorder with spasticity, cataracts, and cerebellar hypoplasia. Also called: NEURODEVELOPMENTAL DISORDER WITH SPASTICITY, CATARACTS, AND CEREBELLAR ATROPHY. Identifiers: MedGen C5543306, MONDO:0859137, OMIM 619286.

Allele frequency attached by ClinVar (database versions not stated): gnomAD 0.00001; gnomAD exomes 0.00003; TOPMed 0.00003; ESP Exome Variant Server 0.00008.

Submissions (2):

GeneDx
Classification: Uncertain significance. Last evaluated: 2021-04-28. Review status: criteria provided, single submitter. Criteria: GeneDx Variant Classification Process June 2021. Collection method: clinical testing. Allele origin: germline. Affected: yes.
Comment: Frameshift variant predicted to result in protein truncation or nonsense mediated decay in a gene for which loss-of-function is not a known mechanism of disease; Not observed in large population cohorts (Lek et al., 2016); This variant is associated with the following publications: (PMID: 33443317)

OMIM
Classification: Pathogenic for NEURODEVELOPMENTAL DISORDER WITH SPASTICITY, CATARACTS, AND CEREBELLAR ATROPHY. Last evaluated: 2026-01-23. Review status: no assertion criteria provided. Collection method: literature only. Allele origin: germline. Not counted in ClinVar's aggregate classification.

Literature cited by the submitters: PubMed 33443317 (cited by OMIM).